The following is an entry in ClinVar:

NM_001035.3(RYR2):c.916T>G (p.Leu306Val)

Gene: RYR2 (ryanodine receptor 2; plus strand). Cytogenetic location: 1q43.
Variant type: single nucleotide variant.
Coding change: c.916T>G on transcript NM_001035.3 (MANE Select); coding-DNA position 916, T replaced by G.
Protein change: p.Leu306Val; replaces leucine 306 with valine.
Molecular consequence: missense variant.
Genome position (GRCh38, 1-based): chr1:237,423,159, T>G. VCF-style: chr1-237423159-T-G. GRCh37 (hg19) VCF-style: chr1-237586459-T-G.
Other names: short protein forms L306V.
Identifiers: ClinVar variation 940000 (VCV000940000.12), dbSNP rs1159486360, ClinGen allele CA345385336.
Genomic context (GRCh38, chr1:237,423,159, plus strand): 5'-GGAAGCCACATAAGATGGGGACAGCCATTCCGACTACGCCATGTCACAACAGGAAAATAC[T>G]TGAGTCTCATGGAAGACAAAAACCTTCTACTCATGGACAAAGAGAAAGCTGATGTAAAAT-3'
Protein context (NP_001026.2, residues 296-316): RLRHVTTGKY[Leu306Val]SLMEDKNLLL

ClinVar aggregate classification (germline): Uncertain significance. Review status: criteria provided, multiple submitters, no conflicts (2 of 4 stars). 2 submissions from 2 submitters: Uncertain significance (2). Last evaluated 2022-06-15.

Conditions:
Catecholaminergic polymorphic ventricular tachycardia 1. Also called: RYR2-Related Catecholaminergic Polymorphic Ventricular Tachycardia; VENTRICULAR TACHYCARDIA, CATECHOLAMINERGIC POLYMORPHIC, 1, WITH OR WITHOUT ATRIAL DYSFUNCTION AND/OR DILATED CARDIOMYOPATHY; VENTRICULAR TACHYCARDIA, STRESS-INDUCED POLYMORPHIC 1. Identifiers: Orphanet 3286, MedGen C1631597, MONDO:0011484, OMIM 604772.

Allele frequency attached by ClinVar (database versions not stated): gnomAD exomes 0.00001; TOPMed 0.00001.
gnomAD v4.1: 3 of 1,613,894 alleles (0.00019%); highest among the groups gnomAD compares: African/African-American, 0.004%; no homozygotes.

Submissions (2):

Labcorp Genetics (formerly Invitae), Labcorp
Classification: Uncertain significance for Catecholaminergic polymorphic ventricular tachycardia 1. Last evaluated: 2022-06-15. Review status: criteria provided, single submitter. Criteria: Invitae Variant Classification Sherloc (09022015). Collection method: clinical testing. Allele origin: germline.
Comment: Advanced modeling of protein sequence and biophysical properties (such as structural, functional, and spatial information, amino acid conservation, physicochemical variation, residue mobility, and thermodynamic stability) performed at Invitae indicates that this missense variant is expected to disrupt RYR2 protein function. Algorithms developed to predict the effect of sequence changes on RNA splicing suggest that this variant may create or strengthen a splice site. In summary, the available evidence is currently insufficient to determine the role of this variant in disease. Therefore, it has been classified as a Variant of Uncertain Significance. This variant is present in population databases (no rsID available, gnomAD 0.01%). This sequence change replaces leucine, which is neutral and non-polar, with valine, which is neutral and non-polar, at codon 306 of the RYR2 protein (p.Leu306Val). This variant has not been reported in the literature in individuals affected with RYR2-related conditions. ClinVar contains an entry for this variant (Variation ID: 940000).

AiLife Diagnostics
Classification: Uncertain significance. Last evaluated: 2021-08-24. Review status: criteria provided, single submitter. Criteria: ACMG Guidelines, 2015. Collection method: clinical testing. Allele origin: germline. Affected: yes. Observed: 1 variant allele.